The following is an entry in ClinVar:

ClinVar aggregate classification (germline): Uncertain significance (1 of 4 stars; one submission).

Conditions:
Hereditary cancer-predisposing syndrome. Also called: Neoplastic Syndromes, Hereditary; Tumor predisposition; Hereditary neoplastic syndrome; Hereditary Cancer Syndrome. Identifiers: Orphanet 140162, MedGen C0027672, MeSH D009386, MONDO:0015356.

Submission:

Ambry Genetics
Classification: Uncertain significance for Hereditary cancer-predisposing syndrome. Last evaluated: 2026-07-06. Review status: criteria provided, single submitter. Criteria: Ambry Variant Classification Scheme 2023. Collection method: clinical testing. Allele origin: germline.
Comment: The p.F370C variant (also known as c.1109T>G), located in coding exon 4 of the AXIN2 gene, results from a T to G substitution at nucleotide position 1109. The phenylalanine at codon 370 is replaced by cysteine, an amino acid with highly dissimilar properties. This amino acid position is conserved. In addition, this alteration is predicted to be deleterious by in silico analysis. Based on the available evidence, the clinical significance of this variant remains unclear.

NM_004655.4(AXIN2):c.1109T>G (p.Phe370Cys)

Gene: AXIN2 (axin 2; minus strand). Cytogenetic location: 17q24.1.
Variant type: single nucleotide variant.
Coding change: c.1109T>G on transcript NM_004655.4 (MANE Select); coding-DNA position 1109, T replaced by G.
Protein change: p.Phe370Cys; replaces phenylalanine 370 with cysteine.
Molecular consequence: missense variant.
Genome position (GRCh38, 1-based): chr17:65,538,294, A>C on the plus strand (T>G on the coding strand, the complement: AXIN2 is on the minus strand). VCF-style: chr17-65538294-A-C. GRCh37 (hg19) VCF-style: chr17-63534412-A-C.
Other names: c.1109T>G, p.Phe370Cys (NM_001363813.1); short protein forms F370C.
Identifiers: ClinVar variation 5032575 (VCV005032575.1).
Genomic context (GRCh38, chr17:65,538,294, plus strand): 5'-CTGTGGCGGCTCTCCAACTCCAGCTTCAGCTTTTCCAGCCTCGAGATCAGCTCAGCTGCA[A>C]AGGTGGCGGGTTCCACGGGGGTCATCTCCTTGGGCAGGCGGTGGGTTCTCTACAGGACGT-3'
Protein context (NP_004646.3, residues 360-380): KEMTPVEPAT[Phe370Cys]AAELISRLEK